The following is an entry in ClinVar:

ClinVar aggregate classification (germline): Uncertain significance. Review status: criteria provided, multiple submitters, no conflicts (2 of 4 stars). 2 submissions from 2 submitters: Uncertain significance (2). Last evaluated 2024-04-29.

Conditions:
Autosomal recessive hypophosphatemic bone disease (HHRH). Also called: HYPERCALCIURIC RICKETS; Hypophosphatemic rickets with hypercalciuria. Identifiers: Orphanet 157215, MedGen C1853271, MONDO:0009431, OMIM 241530.

Allele frequency attached by ClinVar (database versions not stated): ExAC 0.00001; TOPMed 0.00002.

Submissions (2):

Fulgent Genetics
Classification: Uncertain significance for Autosomal recessive hypophosphatemic bone disease. Last evaluated: 2024-04-29. Review status: criteria provided, single submitter. Criteria: ACMG Guidelines, 2015. Collection method: clinical testing. Allele origin: germline.

Labcorp Genetics (formerly Invitae), Labcorp
Classification: Uncertain significance. Last evaluated: 2022-08-19. Review status: criteria provided, single submitter. Criteria: Invitae Variant Classification Sherloc (09022015). Collection method: clinical testing. Allele origin: germline.
Comment: This variant is present in population databases (no rsID available, gnomAD 0.01%). In summary, the available evidence is currently insufficient to determine the role of this variant in disease. Therefore, it has been classified as a Variant of Uncertain Significance. Algorithms developed to predict the effect of missense changes on protein structure and function are either unavailable or do not agree on the potential impact of this missense change (SIFT: "Deleterious"; PolyPhen-2: "Probably Damaging"; Align-GVGD: "Class C0"). This variant has not been reported in the literature in individuals affected with SLC34A3-related conditions. This sequence change replaces serine, which is neutral and polar, with cysteine, which is neutral and slightly polar, at codon 348 of the SLC34A3 protein (p.Ser348Cys).

NM_001177316.2(SLC34A3):c.1043C>G (p.Ser348Cys)

Gene: SLC34A3 (solute carrier family 34 member 3; plus strand). Cytogenetic location: 9q34.3.
Variant type: single nucleotide variant.
Coding change: c.1043C>G on transcript NM_001177316.2 (MANE Select); coding-DNA position 1043, C replaced by G.
Protein change: p.Ser348Cys; replaces serine 348 with cysteine.
Molecular consequence: missense variant.
Genome position (GRCh38, 1-based): chr9:137,234,226, C>G. VCF-style: chr9-137234226-C-G. GRCh37 (hg19) VCF-style: chr9-140128678-C-G.
Other names: c.1043C>G (NM_080877.2); c.1043C>G, p.Ser348Cys (NM_001177317.2, NM_080877.3); short protein forms S348C.
Identifiers: ClinVar variation 2056952 (VCV002056952.3), dbSNP rs1485731866, ClinGen allele CA5364733.